The following is an entry in ClinVar:

NM_005540.3(INPP5B):c.532+215C>T

Genes: INPP5B (inositol polyphosphate-5-phosphatase B; minus strand), LOC129930172 (ATAC-STARR-seq lymphoblastoid silent region 683; plus strand). Cytogenetic location: 1p34.3.
Variant type: single nucleotide variant.
Coding change: c.532+215C>T on transcript NM_005540.3 (MANE Select); 215 bases into the intron after coding-DNA position 532, C replaced by T.
Molecular consequence: intron variant. On other transcripts: synonymous variant (1), 5 prime UTR variant (1), non-coding transcript variant (1).
Genome position (GRCh38, 1-based): chr1:37,931,698, G>A on the plus strand (C>T on the coding strand, the complement: INPP5B is on the minus strand). VCF-style: chr1-37931698-G-A. GRCh37 (hg19) VCF-style: chr1-38397370-G-A.
Other names: c.15C>T, p.Ala5= (NM_001297434.2); c.-150C>T (NM_001350227.2); c.175+215C>T (NM_001365825.1); c.526+215C>T (NM_001365821.1); c.337+215C>T (NM_001365823.1, NM_001365824.1); c.466+215C>T (NM_001365822.1); c.532+215C>T (NM_001365820.1); c.-195+215C>T (NM_001350228.1).
Identifiers: ClinVar variation 3040409 (VCV003040409.2), dbSNP rs142849696, ClinGen allele CA776188.

ClinVar aggregate classification (germline): Benign (0 of 4 stars; one submission).

Conditions:
INPP5B-related disorder. Also called: INPP5B-related condition.

Allele frequency attached by ClinVar (database versions not stated): gnomAD exomes 0.00029; ExAC 0.00037; gnomAD 0.00332; TOPMed 0.00349; 1000 Genomes Project 0.00359; 1000 Genomes Project 30x 0.00406.
gnomAD v4.1: 926 of 1,534,688 alleles (0.06%); highest among the groups gnomAD compares: African/African-American, 1.1%; 5 homozygotes.

Submission:

PreventionGenetics, part of Exact Sciences
Classification: Benign for INPP5B-related condition. Last evaluated: 2019-09-12. Review status: no assertion criteria provided. Collection method: clinical testing. Allele origin: germline.
Comment: This variant is classified as benign based on ACMG/AMP sequence variant interpretation guidelines (Richards et al. 2015 PMID: 25741868, with internal and published modifications).